The following is an entry in ClinVar:

ClinVar aggregate classification (germline): Likely benign (1 of 4 stars; one submission).

gnomAD v4.1: 2,754 of 1,539,742 alleles (0.18%); highest among the groups gnomAD compares: Non-Finnish European, 0.23%; 3 homozygotes.

Submission:

CeGaT Center for Human Genetics Tuebingen
Classification: Likely benign. Last evaluated: 2025-10-01. Review status: criteria provided, single submitter. Criteria: CeGaT Center For Human Genetics Tuebingen Variant Classification Criteria Version 2. Collection method: clinical testing. Allele origin: germline. Affected: yes. Observed: 1 variant allele.
Comment: CELSR1: BP4, BS1

NM_001378328.1(CELSR1):c.6895C>A (p.Leu2299Met)

Gene: CELSR1 (cadherin EGF LAG seven-pass G-type receptor 1; minus strand). Cytogenetic location: 22q13.31.
Variant type: single nucleotide variant.
Coding change: c.6895C>A on transcript NM_001378328.1 (MANE Select); coding-DNA position 6895, C replaced by A.
Protein change: p.Leu2299Met; replaces leucine 2299 with methionine.
Molecular consequence: missense variant.
Genome position (GRCh38, 1-based): chr22:46,382,039, G>T on the plus strand (C>A on the coding strand, the complement: CELSR1 is on the minus strand). VCF-style: chr22-46382039-G-T. GRCh37 (hg19) VCF-style: chr22-46777936-G-T.
Other names: c.6895C>A, p.Leu2299Met (NM_014246.4); short protein forms L2299M.
Identifiers: ClinVar variation 4533604 (VCV004533604.6).
Genomic context (GRCh38, chr22:46,382,039, plus strand): 5'-TCTCGGTGCCAGGCCCCGGGCGCGTGGTCTGCGGGGTGGTCCTCCGGCCAGCCGGCCTCA[G>T]CAGGGGGCCTTCTGCAATGTGAGCAGAAGGTGAGGACTCTGGCAGGAGCACCTGTGTTCC-3'
Protein context (NP_001365257.1, residues 2289-2309): RPPEEKEGPL[Leu2299Met]RPAGRRTTPQ